The following is an entry in ClinVar:

ClinVar aggregate classification (germline): Pathogenic (1 of 4 stars; one submission).

Conditions:
Familial cancer of breast. Also called: Hereditary breast cancer; BREAST CANCER, FAMILIAL; hereditary breast carcinoma. Identifiers: Orphanet 227535, MedGen C0346153, MONDO:0016419, OMIM 114480. Disease mechanism: loss of function.

Submission:

Labcorp Genetics (formerly Invitae), Labcorp
Classification: Pathogenic for Familial cancer of breast. Last evaluated: 2023-06-02. Review status: criteria provided, single submitter. Criteria: Invitae Variant Classification Sherloc (09022015). Collection method: clinical testing. Allele origin: germline.
Comment: For these reasons, this variant has been classified as Pathogenic. This variant has not been reported in the literature in individuals affected with CHEK2-related conditions. This variant is not present in population databases (gnomAD no frequency). This sequence change creates a premature translational stop signal (p.Val25Profs*33) in the CHEK2 gene. It is expected to result in an absent or disrupted protein product. Loss-of-function variants in CHEK2 are known to be pathogenic (PMID: 21876083, 24713400).

Literature cited by the submitters: PubMed 21876083; PubMed 24713400.

NM_007194.4(CHEK2):c.72_81del (p.Val25fs)

Gene: CHEK2 (checkpoint kinase 2; minus strand). Cytogenetic location: 22q12.1.
Variant type: Deletion.
Coding change: c.72_81del on transcript NM_007194.4 (MANE Select); coding-DNA positions 72 to 81, 10 bases deleted (CGTTACCCAG; older notation c.72_81delCGTTACCCAG).
Protein change: p.Val25fs; shifts the reading frame from valine 25.
Molecular consequence: frameshift variant.
Genome position (GRCh38, 1-based): chr22:28,734,641-28,734,650, CTGGGTAACG deleted on the plus strand (CGTTACCCAG on the coding strand, the reverse complement: CHEK2 is on the minus strand); deleting any 10 consecutive bases within chr22:28,734,641-28,734,653 gives the same sequence; the c. name uses the placement nearest the transcript's 3' end. VCF-style (leftmost placement, unchanged base first): chr22-28734640-ACTGGGTAACG-A. GRCh37 (hg19) VCF-style: chr22-29130628-ACTGGGTAACG-A.
Other names: c.69_78delCAGCGTTACC, p.Val25Profs (NM_001005735.3, NM_001349956.3, NM_145862.3); c.-709_-700delCAGCGTTACC (NM_001257387.3); short protein forms V25fs.
Identifiers: ClinVar variation 2757325 (VCV002757325.3), dbSNP rs2518134133, ClinGen allele CA2697552638.